The following is an entry in ClinVar:

ClinVar aggregate classification (germline): Uncertain significance (1 of 4 stars; one submission).

Conditions:
Frasier syndrome. Identifiers: Orphanet 347, MedGen C0950122, MeSH D052159, MONDO:0007635, OMIM 136680.
Wilms tumor 1 (WT1). Also called: Wilms tumor, somatic. Identifiers: Orphanet 654, MedGen CN033288, MONDO:0008679, OMIM 194070.
11p partial monosomy syndrome (WAGR). Also called: WAGR Complex; WAGR Spectrum Disorder; WAGR syndrome; CHROMOSOME 11p13 DELETION SYNDROME. Identifiers: Orphanet 893, MedGen C0206115, MONDO:0008681, OMIM 194072.
Drash syndrome (DDS). Also called: NEPHROPATHY, WILMS TUMOR, AND GENITAL ANOMALIES; WILMS TUMOR AND PSEUDO- OR TRUE HERMAPHRODITISM. Identifiers: Orphanet 220, MedGen C0950121, MONDO:0008682, OMIM 194080.

Submission:

Labcorp Genetics (formerly Invitae), Labcorp
Classification: Uncertain significance for Wilms tumor 1; Drash syndrome; 11p partial monosomy syndrome; Frasier syndrome. Last evaluated: 2022-02-11. Review status: criteria provided, single submitter. Criteria: Invitae Variant Classification Sherloc (09022015). Collection method: clinical testing. Allele origin: germline.
Comment: In summary, the available evidence is currently insufficient to determine the role of this variant in disease. Therefore, it has been classified as a Variant of Uncertain Significance. Algorithms developed to predict the effect of missense changes on protein structure and function (SIFT, PolyPhen-2, Align-GVGD) all suggest that this variant is likely to be disruptive. This variant has not been reported in the literature in individuals affected with WT1-related conditions. This variant is not present in population databases (gnomAD no frequency). This sequence change replaces alanine, which is neutral and non-polar, with proline, which is neutral and non-polar, at codon 159 of the WT1 protein (p.Ala159Pro).

NM_024426.6(WT1):c.490G>C (p.Ala164Pro)

Genes: WT1 (WT1 transcription factor; minus strand), LOC107982234 (WT1/WT1-AS bi-directional promoter region; plus strand). Cytogenetic location: 11p13.
Variant type: single nucleotide variant.
Coding change: c.490G>C on transcript NM_024426.6 (MANE Select); coding-DNA position 490, G replaced by C.
Protein change: p.Ala164Pro; replaces alanine 164 with proline.
Molecular consequence: missense variant. On other transcripts: non-coding transcript variant (1).
Genome position (GRCh38, 1-based): chr11:32,434,871, C>G on the plus strand (G>C on the coding strand, the complement: WT1 is on the minus strand). VCF-style: chr11-32434871-C-G. GRCh37 (hg19) VCF-style: chr11-32456417-C-G.
Other names: c.490G>C, p.Ala164Pro (NM_000378.6, NM_024424.5); short protein forms A164P.
Identifiers: ClinVar variation 1474384 (VCV001474384.8), dbSNP rs986597775, ClinGen allele CA379964899.